The following is an entry in ClinVar:

ClinVar aggregate classification (germline): Uncertain significance (1 of 4 stars; one submission).

gnomAD v4.1: 8 of 1,614,216 alleles (0.0005%); highest among the groups gnomAD compares: Non-Finnish European, 0.00068%; no homozygotes.

Submission:

Labcorp Genetics (formerly Invitae), Labcorp
Classification: Uncertain significance. Last evaluated: 2024-06-28. Review status: criteria provided, single submitter. Criteria: Invitae Variant Classification Sherloc (09022015). Collection method: clinical testing. Allele origin: germline.
Comment: This sequence change replaces leucine, which is neutral and non-polar, with phenylalanine, which is neutral and non-polar, at codon 901 of the ALPK1 protein (p.Leu901Phe). This variant is not present in population databases (gnomAD no frequency). This variant has not been reported in the literature in individuals affected with ALPK1-related conditions. Advanced modeling of protein sequence and biophysical properties (such as structural, functional, and spatial information, amino acid conservation, physicochemical variation, residue mobility, and thermodynamic stability) performed at Invitae indicates that this missense variant is not expected to disrupt ALPK1 protein function with a negative predictive value of 80%. In summary, the available evidence is currently insufficient to determine the role of this variant in disease. Therefore, it has been classified as a Variant of Uncertain Significance.

NM_025144.4(ALPK1):c.2701C>T (p.Leu901Phe)

Gene: ALPK1 (alpha kinase 1; plus strand). Cytogenetic location: 4q25.
Variant type: single nucleotide variant.
Coding change: c.2701C>T on transcript NM_025144.4 (MANE Select); coding-DNA position 2701, C replaced by T.
Protein change: p.Leu901Phe; replaces leucine 901 with phenylalanine.
Molecular consequence: missense variant.
Genome position (GRCh38, 1-based): chr4:112,432,248, C>T. VCF-style: chr4-112432248-C-T. GRCh37 (hg19) VCF-style: chr4-113353404-C-T.
Other names: c.2701C>T, p.Leu901Phe (NM_001102406.2); c.2467C>T, p.Leu823Phe (NM_001253884.2); short protein forms L901F, L823F.
Identifiers: ClinVar variation 3658155 (VCV003658155.2).
Genomic context (GRCh38, chr4:112,432,248, plus strand): 5'-CCTGGTCAGAGGGCGGAGACCCCCAATTCCTCTGTAAGCGGTAACATCCTCTTCCCTGTC[C>T]TCAGCGAGGACTGCACTACCACAGAGGAAGGAAATCAGCCTGGAAACATGCTAAACTGCA-3'
Protein context (NP_079420.3, residues 891-911): SVSGNILFPV[Leu901Phe]SEDCTTTEEG